The following is an entry in ClinVar:

NM_001032382.2(PQBP1):c.-19+125G>T

Genes: PQBP1 (polyglutamine binding protein 1; plus strand), LOC130068255 (ATAC-STARR-seq lymphoblastoid active region 29616; plus strand). Cytogenetic location: Xp11.23.
Variant type: single nucleotide variant.
Coding change: c.-19+125G>T on transcript NM_001032382.2 (MANE Select); 125 bases into the intron after 19 bases upstream of the start codon, G replaced by T.
Molecular consequence: intron variant.
Genome position (GRCh38, 1-based): chrX:48,898,207, G>T. VCF-style: chrX-48898207-G-T. GRCh37 (hg19) VCF-style: chrX-48755490-G-T.
Other names: c.-19+114G>T (NM_001032383.2); c.-19+125G>T (NM_144495.3); c.-19+193G>T (NM_001032381.2, NM_001167989.2, NM_001167990.2); c.-303G>T (NM_005710.2).
Identifiers: ClinVar variation 677296 (VCV000677296.2), dbSNP rs41312118, ClinGen allele CA329095193.

ClinVar aggregate classification (germline): Likely benign. Review status: criteria provided, multiple submitters, no conflicts (2 of 4 stars). 2 submissions from 2 submitters: Likely benign (2). Last evaluated 2018-06-16.

Allele frequency attached by ClinVar (database versions not stated): 1000 Genomes Project 30x 0.00520; 1000 Genomes Project 0.00583; gnomAD 0.00970 and 0.01022; TOPMed 0.00975; gnomAD exomes 0.01490.

Submissions (2):

GeneDx
Classification: Likely benign. Last evaluated: 2018-06-16. Review status: criteria provided, single submitter. Criteria: GeneDx Variant Classification (06012015). Collection method: clinical testing. Allele origin: germline. Affected: yes.
Comment: This variant is considered likely benign or benign based on one or more of the following criteria: it is a conservative change, it occurs at a poorly conserved position in the protein, it is predicted to be benign by multiple in silico algorithms, and/or has population frequency not consistent with disease.

Breakthrough Genomics
Classification: Likely benign. Review status: criteria provided, single submitter. Criteria: ACMG Guidelines, 2015. Collection method: not provided. Allele origin: germline. Inheritance: X-linked inheritance. Affected: yes.